The following is an entry in ClinVar:

NM_016169.4(SUFU):c.1451A>G (p.His484Arg)

Gene: SUFU (SUFU negative regulator of hedgehog signaling; plus strand). Cytogenetic location: 10q24.32.
Variant type: single nucleotide variant.
Coding change: c.1451A>G on transcript NM_016169.4 (MANE Select); coding-DNA position 1451, A replaced by G.
Protein change: p.His484Arg; replaces histidine 484 with arginine.
Molecular consequence: missense variant.
Genome position (GRCh38, 1-based): chr10:102,630,151, A>G. VCF-style: chr10-102630151-A-G. GRCh37 (hg19) VCF-style: chr10-104389908-A-G.
Other names: short protein forms H484R.
Identifiers: ClinVar variation 2561142 (VCV002561142.3), dbSNP rs2492851231, ClinGen allele CA377921201.

ClinVar aggregate classification (germline): Uncertain significance (1 of 4 stars; one submission).

Conditions:
Hereditary cancer-predisposing syndrome. Also called: Neoplastic Syndromes, Hereditary; Hereditary Cancer Syndrome; Hereditary neoplastic syndrome; Tumor predisposition. Identifiers: Orphanet 140162, MedGen C0027672, MeSH D009386, MONDO:0015356.

Allele frequency attached by ClinVar (database versions not stated): gnomAD exomes below 0.00001.
gnomAD v4.1: 1 of 1,614,060 alleles (0.000062%); highest among the groups gnomAD compares: Non-Finnish European, 0.000085%; no homozygotes.

Submission:

Ambry Genetics
Classification: Uncertain significance for Hereditary cancer-predisposing syndrome. Last evaluated: 2025-09-28. Review status: criteria provided, single submitter. Criteria: Ambry Variant Classification Scheme 2023. Collection method: clinical testing. Allele origin: germline.
Comment: The p.H484R variant (also known as c.1451A>G), located in coding exon 12 of the SUFU gene, results from an A to G substitution at nucleotide position 1451. The histidine at codon 484 is replaced by arginine, an amino acid with highly similar properties. This amino acid position is conserved. In addition, this alteration is predicted to be tolerated by in silico analysis. Since supporting evidence is limited at this time, the clinical significance of this alteration remains unclear.